The following is an entry in ClinVar:

NM_001077365.2(POMT1):c.1393G>A (p.Gly465Arg)

Gene: POMT1 (protein O-mannosyltransferase 1; plus strand). Cytogenetic location: 9q34.13.
Variant type: single nucleotide variant.
Coding change: c.1393G>A on transcript NM_001077365.2 (MANE Select); coding-DNA position 1393, G replaced by A.
Protein change: p.Gly465Arg; replaces glycine 465 with arginine.
Molecular consequence: missense variant. On other transcripts: non-coding transcript variant (10), intron variant (1).
Genome position (GRCh38, 1-based): chr9:131,518,864, G>A. VCF-style: chr9-131518864-G-A. GRCh37 (hg19) VCF-style: chr9-134394251-G-A.
Other names: c.1231G>A, p.Gly411Arg (NM_001077366.2, NM_001353194.2); c.1393G>A, p.Gly465Arg (NM_001136113.2); c.1042G>A, p.Gly348Arg (NM_001136114.2, NM_001353195.2, NM_001374691.1 and 2 more transcripts); c.1459G>A, p.Gly487Arg (NM_001353193.2, NM_007171.4); c.1303G>A, p.Gly435Arg (NM_001353196.2); c.1297G>A, p.Gly433Arg (NM_001353197.2, NM_001353198.2); c.1108G>A, p.Gly370Arg (NM_001353199.2); c.937G>A, p.Gly313Arg (NM_001353200.2); and 4 more; short protein forms G313R, G335R, G348R, G370R, G411R, G433R, G435R, G461R.
Identifiers: ClinVar variation 3375239 (VCV003375239.1).

ClinVar aggregate classification (germline): Uncertain significance (1 of 4 stars; one submission).

gnomAD v4.1: 1 of 1,614,034 alleles (0.000062%); highest among the groups gnomAD compares: Non-Finnish European, 0.000085%; no homozygotes.

Submission:

Women's Health and Genetics/Laboratory Corporation of America, LabCorp
Classification: Uncertain significance. Last evaluated: 2024-09-30. Review status: criteria provided, single submitter. Criteria: LabCorp Variant Classification Summary - May 2015. Collection method: clinical testing. Allele origin: germline.
Comment: Variant summary: POMT1 c.1459G>A (p.Gly487Arg) results in a non-conservative amino acid change located in the MIR motif domain (IPR016093) of the encoded protein sequence. Five of five in-silico tools predict a damaging effect of the variant on protein function. The variant was absent in 250878 control chromosomes. c.1459G>A has been reported in the literature in the homozygous state in at least 1 individual affected with muscle-eye-brain disease (example, Sframeli_2017). These data indicate that the variant may be associated with disease. To our knowledge, no experimental evidence demonstrating an impact on protein function has been reported. The following publication has been ascertained in the context of this evaluation (PMID: 28688748). No submitters have cited clinical-significance assessments for this variant to ClinVar. Based on the evidence outlined above, the variant was classified as VUS-possibly pathogenic.

Literature cited by the submitters: PubMed 28688748.